The following is an entry in ClinVar:

NM_003001.5(SDHC):c.117G>A (p.Glu39=)

Gene: SDHC (succinate dehydrogenase complex subunit C; plus strand). Cytogenetic location: 1q23.3.
Variant type: single nucleotide variant.
Coding change: c.117G>A on transcript NM_003001.5 (MANE Select); coding-DNA position 117, G replaced by A.
Protein change: p.Glu39=; no amino-acid change (glutamic acid 39 retained).
Molecular consequence: synonymous variant. On other transcripts: non-coding transcript variant (1), intron variant (4).
Genome position (GRCh38, 1-based): chr1:161,328,435, G>A. VCF-style: chr1-161328435-G-A. GRCh37 (hg19) VCF-style: chr1-161298225-G-A.
Other names: c.117G>A, p.Glu39= (NM_001035511.3, NM_001407115.1); c.60G>A, p.Glu20= (NM_001407116.1, NM_001407117.1, NM_001407121.1); c.6G>A, p.Glu2= (NM_001407119.1, NM_001407120.1); c.77+4765G>A (NM_001035512.3, NM_001278172.3, NM_001407118.1); c.21-12159G>A (NM_001035513.3).
Identifiers: ClinVar variation 3904655 (VCV003904655.1).

ClinVar aggregate classification (germline): Benign (1 of 4 stars; one submission).

Conditions:
Pheochromocytoma/paraganglioma syndrome 3. Also called: GLOMUS TUMORS, FAMILIAL, 3; Paragangliomas 3; SDHC-Related Hereditary Paraganglioma-Pheochromocytoma Syndrome (Paragangliomas 3); SDHC-Related Hereditary Paraganglioma-Pheochromocytoma Syndrome. Identifiers: Orphanet 29072, MedGen C1854336, MONDO:0011544, OMIM 605373.

Submission:

Myriad Genetics, Inc.
Classification: Benign for Pheochromocytoma/paraganglioma syndrome 3. Last evaluated: 2025-03-14. Review status: criteria provided, single submitter. Criteria: Myriad Autosomal Dominant, Autosomal Recessive and X-Linked Classification Criteria (2023). Collection method: clinical testing. Allele origin: unknown.
Comment: This variant is considered benign. This variant is a silent/synonymous amino acid change and it is not expected to impact splicing.